The following is an entry in ClinVar:

NM_001197104.2(KMT2A):c.2068A>G (p.Met690Val)

Gene: KMT2A (lysine methyltransferase 2A; plus strand). Cytogenetic location: 11q23.3.
Variant type: single nucleotide variant.
Coding change: c.2068A>G on transcript NM_001197104.2 (MANE Select); coding-DNA position 2068, A replaced by G.
Protein change: p.Met690Val; replaces methionine 690 with valine.
Molecular consequence: missense variant.
Genome position (GRCh38, 1-based): chr11:118,473,227, A>G. VCF-style: chr11-118473227-A-G. GRCh37 (hg19) VCF-style: chr11-118343942-A-G.
Other names: c.2167A>G, p.Met723Val (NM_001412597.1); c.2068A>G, p.Met690Val (NM_005933.4); short protein forms M690V, M723V.
Identifiers: ClinVar variation 3372931 (VCV003372931.1).
Genomic context (GRCh38, chr11:118,473,227, plus strand): 5'-TCTGGTACCGCTGCTTCAGCCCGATTGTTTTCGCCACTCCATTCTGGAACAAGGTTTGAT[A>G]TGCACAAAAGGAGCCCTCTTCTGAGAGCTCCAAGATTTACTCCAAGTGAGGCTCACTCTA-3'
Protein context (NP_001184033.1, residues 680-700): SPLHSGTRFD[Met690Val]HKRSPLLRAP

ClinVar aggregate classification (germline): Uncertain significance (1 of 4 stars; one submission).

Submission:

GeneDx
Classification: Uncertain significance. Last evaluated: 2024-04-22. Review status: criteria provided, single submitter. Criteria: GeneDx Variant Classification Process June 2021. Collection method: clinical testing. Allele origin: germline. Affected: yes.
Comment: Not observed at significant frequency in large population cohorts (gnomAD); In silico analysis indicates that this missense variant does not alter protein structure/function; Has not been previously published as pathogenic or benign to our knowledge